The following is an entry in ClinVar:

ClinVar aggregate classification (germline): Conflicting classifications of pathogenicity. Review status: criteria provided, conflicting classifications (1 of 4 stars). 11 submissions from 11 submitters: Uncertain significance (8); Likely benign (3). Last evaluated 2026-02-02.

Conditions:
Cardiovascular phenotype. Identifiers: MedGen CN230736.
Familial isolated arrhythmogenic right ventricular dysplasia. Identifiers: Orphanet 217656, MedGen C4274968, MONDO:0016342.
Cardiomyopathy (CMYO). Also called: Cardiomyopathies. Identifiers: Orphanet 167848, MedGen C0878544, MONDO:0004994, HP:0001638. Inheritance: Various modes of inheritance.
Arrhythmogenic right ventricular dysplasia 11. Also called: Arrhythmogenic Right Ventricular Dysplasia/Cardiomyopathy11; Arrhythmogenic right ventricular dysplasia 11 with mild palmoplantar keratoderma and woolly hair; ARRHYTHMOGENIC RIGHT VENTRICULAR DYSPLASIA, FAMILIAL, 11. Identifiers: MedGen C1864850, MONDO:0012506, OMIM 610476.

Allele frequency attached by ClinVar (database versions not stated): ExAC 0.00005; gnomAD 0.00016; TOPMed 0.00017; 1000 Genomes Project 0.00020; ESP Exome Variant Server 0.00023; 1000 Genomes Project 30x 0.00031.
gnomAD v4.1: 297 of 1,614,102 alleles (0.018%); highest among the groups gnomAD compares: Non-Finnish European, 0.024%; 1 homozygote.

Submissions (11):

Labcorp Genetics (formerly Invitae), Labcorp
Classification: Uncertain significance for Arrhythmogenic right ventricular dysplasia 11. Last evaluated: 2026-02-02. Review status: criteria provided, single submitter. Criteria: Invitae Variant Classification Sherloc (09022015). Collection method: clinical testing. Allele origin: germline.
Comment: This sequence change replaces methionine, which is neutral and non-polar, with threonine, which is neutral and polar, at codon 589 of the DSC2 protein (p.Met589Thr). This variant is present in population databases (rs201856473, gnomAD 0.01%). This missense change has been observed in individual(s) with DSC2-related conditions (PMID: 27532257, 37589201). ClinVar contains an entry for this variant (Variation ID: 410648). Invitae Evidence Modeling of protein sequence and biophysical properties (such as structural, functional, and spatial information, amino acid conservation, physicochemical variation, residue mobility, and thermodynamic stability) indicates that this missense variant is not expected to disrupt DSC2 protein function with a negative predictive value of 80%. In summary, the available evidence is currently insufficient to determine the role of this variant in disease. Therefore, it has been classified as a Variant of Uncertain Significance.

ARUP Laboratories, Molecular Genetics and Genomics, ARUP Laboratories
Classification: Uncertain significance. Last evaluated: 2025-03-26. Review status: criteria provided, single submitter. Criteria: ARUP Molecular Germline Variant Investigation Process 2024. Collection method: clinical testing. Allele origin: germline.
Comment: The DSC2 c.1766T>C; p.Met589Thr variant (rs201856473, ClinVar Variation ID 410648) is reported in the literature in multiple individuals affected with arrhythmogenic left ventricular cardiomyopathy (Chen 2022, Walsh 2017, Ye 2019). This variant is found in the general population with an overall allele frequency of 0.008% (20/282,460 alleles) in the Genome Aggregation Database (v2.1.1). Computational analyses predict that this variant is neutral (REVEL: 0.064). Due to limited information, the clinical significance of this variant is uncertain at this time. References: Chen V et al. Case report: DSP truncation variant p. R1951X leads to arrhythmogenic left ventricular cardiomyopathy. Eur Heart J Case Rep. 2022 Mar 21;6(3):ytac105. PMID: 35474678. Walsh R et al. Reassessment of Mendelian gene pathogenicity using 7,855 cardiomyopathy cases and 60,706 reference samples. Genet Med. 2017 Feb;19(2):192-203. PMID: 27532257. Ye JZ et al. Reevaluation of genetic variants previously associated with arrhythmogenic right ventricular cardiomyopathy integrating population-based cohorts and proteomics data. Clin Genet. 2019 Dec;96(6):506-514. PMID: 31402444.

All of Us Research Program, National Institutes of Health
Classification: Uncertain significance for Familial isolated arrhythmogenic right ventricular dysplasia. Last evaluated: 2024-09-27. Review status: criteria provided, single submitter. Criteria: ACMG Guidelines, 2015. Collection method: clinical testing. Allele origin: germline. Inheritance: Autosomal dominant inheritance. Observed: 33 variant alleles, 33 heterozygotes.
Comment: This missense variant replaces methionine with threonine at codon 589 of the DSC2 protein. Computational prediction suggests that this variant may not impact protein structure and function (internally defined REVEL score threshold <= 0.5, PMID: 27666373). To our knowledge, functional studies have not been reported for this variant. This variant has been reported in an individual affected with arrhythmogenic right ventricular cardiomyopathy (PMID: 27532257). This variant has been identified in 20/282460 chromosomes in the general population by the Genome Aggregation Database (gnomAD). The available evidence is insufficient to determine the role of this variant in disease conclusively. Therefore, this variant is classified as a Variant of Uncertain Significance.

This study involves interpretation of variants in research participants for the purpose of population health screening. Participant phenotype was not available at the time of variant classification. Additional details can be found in publication PMID: 35346344, PMCID: PMC8962531

Women's Health and Genetics/Laboratory Corporation of America, LabCorp
Classification: Likely benign. Last evaluated: 2024-08-19. Review status: criteria provided, single submitter. Criteria: LabCorp Variant Classification Summary - May 2015. Collection method: clinical testing. Allele origin: germline.
Comment: Variant summary: DSC2 c.1766T>C (p.Met589Thr) results in a non-conservative amino acid change in the encoded protein sequence. Four of five in-silico tools predict a benign effect of the variant on protein function. The variant allele was found at a frequency of 0.00018 in 1614102 control chromosomes in the gnomAD database, including 1 homozygotes. The observed variant frequency is approximately 7.4 fold of the estimated maximal expected allele frequency for a pathogenic variant in DSC2 causing Cardiomyopathy phenotype (2.5e-05). c.1766T>C has been reported in the literature in individuals affected with Cardiomyopathy or sudden cardiac death but these reports lack detailed clinical phenotype description and segregation data (Walsh_2017, Ye_2019, Kotta_2023). These report(s) do not provide unequivocal conclusions about association of the variant with Cardiomyopathy. To our knowledge, no experimental evidence demonstrating an impact on protein function has been reported. The following publications have been ascertained in the context of this evaluation (PMID: 37589201, 27532257, 31402444). ClinVar contains an entry for this variant (Variation ID: 410648). Based on the evidence outlined above, the variant was classified as likely benign.

GeneDx
Classification: Uncertain significance. Last evaluated: 2024-05-29. Review status: criteria provided, single submitter. Criteria: GeneDx Variant Classification Process June 2021. Collection method: clinical testing. Allele origin: germline. Affected: yes.
Comment: Reported in published literature in a patient referred for arrhythmogenic right ventricular cardiomyopathy (ARVC) genetic testing and in patients with monomorphic/polymorphic ventricular tachycardia or sudden unexplained death who harbored additional cardiogenetic variants (PMID: 27532257, 35474678, 37589201); In silico analysis indicates that this missense variant does not alter protein structure/function; This variant is associated with the following publications: (PMID: 31402444, 35474678, 27532257, 37589201)

Color Diagnostics, LLC DBA Color Health
Classification: Uncertain significance for Cardiomyopathy. Last evaluated: 2024-05-06. Review status: criteria provided, single submitter. Criteria: ACMG Guidelines, 2015. Collection method: clinical testing. Allele origin: germline.
Comment: This missense variant replaces methionine with threonine at codon 589 of the DSC2 protein. Computational prediction suggests that this variant may not impact protein structure and function (internally defined REVEL score threshold <= 0.5, PMID: 27666373). To our knowledge, functional studies have not been reported for this variant. This variant has been reported in an individual affected with arrhythmogenic right ventricular cardiomyopathy (PMID: 27532257). This variant has been identified in 20/282460 chromosomes in the general population by the Genome Aggregation Database (gnomAD). The available evidence is insufficient to determine the role of this variant in disease conclusively. Therefore, this variant is classified as a Variant of Uncertain Significance.

Blueprint Genetics
Classification: Likely benign. Last evaluated: 2023-10-13. Review status: criteria provided, single submitter. Criteria: ACMG Guidelines, 2015. Collection method: clinical testing. Allele origin: germline.

Ambry Genetics
Classification: Likely benign for Cardiovascular phenotype. Last evaluated: 2023-03-13. Review status: criteria provided, single submitter. Criteria: Ambry Variant Classification Scheme 2023. Collection method: clinical testing. Allele origin: germline.

New York Genome Center
Classification: Uncertain significance for Arrhythmogenic right ventricular dysplasia 11. Last evaluated: 2022-01-28. Review status: criteria provided, single submitter. Criteria: NYGC Assertion Criteria 2020. Collection method: clinical testing. Allele origin: germline. Observed: 1 heterozygote.
Comment: The c.1766T>C p.(Met589Thr) missense variant identified in the DSC2 gene has 0.0001643 allele frequency in the gnomAD(v3) database (25 out of 152178 heterozygous alleles, no homozygotes) suggesting it is not a common benign variant in the populations represented in that database. The variant affects a conserved residue and is predicted benign by multiple in silico prediction tools (CADD score = 18.05, REVEL score = 0.064). This variant has been eported in the ClinVar database as a variant of uncertain significance [Variation ID: 410648] ) and has been reported in one affected individual in the literature with arrhythmogenic right ventricular cardiomyopathy (PMID: 27532257). Based on the available evidence, the c.1766T>C p.(Met589Thr) variant identified in the DSC2 gene is reported as a Variant of Uncertain Significance.

Fulgent Genetics
Classification: Uncertain significance for Arrhythmogenic right ventricular dysplasia 11. Last evaluated: 2021-07-22. Review status: criteria provided, single submitter. Criteria: ACMG Guidelines, 2015. Collection method: clinical testing. Allele origin: unknown.

Phosphorus, Inc.
Classification: Uncertain significance for Arrhythmogenic right ventricular dysplasia 11. Last evaluated: 2017-08-01. Review status: criteria provided, single submitter. Criteria: ACMG Guidelines, 2015. Collection method: clinical testing. Allele origin: germline. Observed: 2 variant alleles.

Literature cited by the submitters: PubMed 27532257 (cited by 6 submitters); PubMed 37589201 (cited by Labcorp Genetics (formerly Invitae), Labcorp and Women's Health and Genetics/Laboratory Corporation of America, LabCorp); PubMed 31402444 (cited by Women's Health and Genetics/Laboratory Corporation of America, LabCorp and Ambry Genetics); PubMed 29802319 (cited by Ambry Genetics).

NM_024422.6(DSC2):c.1766T>C (p.Met589Thr)

Gene: DSC2 (desmocollin 2; minus strand). Cytogenetic location: 18q12.1.
Variant type: single nucleotide variant.
Coding change: c.1766T>C on transcript NM_024422.6 (MANE Select); coding-DNA position 1766, T replaced by C.
Protein change: p.Met589Thr; replaces methionine 589 with threonine.
Molecular consequence: missense variant.
Genome position (GRCh38, 1-based): chr18:31,074,805, A>G on the plus strand (T>C on the coding strand, the complement: DSC2 is on the minus strand). VCF-style: chr18-31074805-A-G. GRCh37 (hg19) VCF-style: chr18-28654771-A-G.
Other names: c.1766T>C, p.Met589Thr (NM_004949.5); c.1766T>C (NM_004949.4); short protein forms M589T.
Identifiers: ClinVar variation 410648 (VCV000410648.30), dbSNP rs201856473, ClinGen allele CA033178.
Genomic context (GRCh38, chr18:31,074,805, plus strand): 5'-TCAAAGGGTGGGCCATGGATAGGCTCATCAGGATCAACCGCAACAATCTCCGCAGATGAC[A>G]TGGTGGGTTTGCAGATGATCACTGTCTTTTTAGGTATGAATGGGCTGTTATCATTCACGT-3'
Protein context (NP_077740.1, residues 579-599): KKTVIICKPT[Met589Thr]SSAEIVAVDP